The following is an entry in ClinVar:

ClinVar aggregate classification (germline): Uncertain significance (1 of 4 stars; one submission).

Submission:

GeneDx
Classification: Uncertain significance. Last evaluated: 2022-05-19. Review status: criteria provided, single submitter. Criteria: GeneDx Variant Classification Process June 2021. Collection method: clinical testing. Allele origin: germline. Affected: yes.
Comment: Not observed at significant frequency in large population cohorts (gnomAD); In silico analysis supports that this missense variant has a deleterious effect on protein structure/function; Has not been previously published as pathogenic or benign to our knowledge

NM_001292063.2(OTOG):c.2839G>A (p.Asp947Asn)

Gene: OTOG (otogelin; plus strand). Cytogenetic location: 11p15.1.
Variant type: single nucleotide variant.
Coding change: c.2839G>A on transcript NM_001292063.2 (MANE Select); coding-DNA position 2839, G replaced by A.
Protein change: p.Asp947Asn; replaces aspartic acid 947 with asparagine.
Molecular consequence: missense variant.
Genome position (GRCh38, 1-based): chr11:17,586,553, G>A. VCF-style: chr11-17586553-G-A. GRCh37 (hg19) VCF-style: chr11-17608100-G-A.
Other names: c.2875G>A, p.Asp959Asn (NM_001277269.2); short protein forms D947N, D959N.
Identifiers: ClinVar variation 1800740 (VCV001800740.1), dbSNP rs2497458784, ClinGen allele CA379779408.